The following is an entry in ClinVar:

ClinVar aggregate classification (germline): Uncertain significance. Review status: criteria provided, single submitter (1 of 4 stars). 2 submissions from 2 submitters: Uncertain significance (1). 1 of the submissions does not count toward it. Last evaluated 2025-05-19.

Conditions:
Usher syndrome type 1 (USH1). Also called: RETINITIS PIGMENTOSA AND CONGENITAL DEAFNESS. Identifiers: Orphanet 231169, Orphanet 886, MedGen C1568247, MONDO:0010168, OMIM 276900.

Allele frequency attached by ClinVar (database versions not stated): TOPMed below 0.00001; gnomAD 0.00001.
gnomAD v4.1: 10 of 1,579,712 alleles (0.00063%); highest among the groups gnomAD compares: Middle Eastern, 0.033%; no homozygotes.

Submissions (2):

Labcorp Genetics (formerly Invitae), Labcorp
Classification: Uncertain significance. Last evaluated: 2025-05-19. Review status: criteria provided, single submitter. Criteria: Invitae Variant Classification Sherloc (09022015). Collection method: clinical testing. Allele origin: germline.
Comment: This sequence change replaces methionine, which is neutral and non-polar, with valine, which is neutral and non-polar, at codon 2705 of the CDH23 protein (p.Met2705Val). The frequency data for this variant in the population databases is considered unreliable, as metrics indicate poor data quality at this position in the gnomAD database. This missense change has been observed in individual(s) with sensorineural hearing loss (PMID: 21940737). ClinVar contains an entry for this variant (Variation ID: 1025646). Invitae Evidence Modeling of protein sequence and biophysical properties (such as structural, functional, and spatial information, amino acid conservation, physicochemical variation, residue mobility, and thermodynamic stability) has been performed for this missense variant. However, the output from this modeling did not meet the statistical confidence thresholds required to predict the impact of this variant on CDH23 protein function. In summary, the available evidence is currently insufficient to determine the role of this variant in disease. Therefore, it has been classified as a Variant of Uncertain Significance.

Natera, Inc.
Classification: Uncertain significance for Usher syndrome type 1. Last evaluated: 2020-02-25. Review status: no assertion criteria provided. Collection method: clinical testing. Allele origin: germline. Not counted in ClinVar's aggregate classification.

Literature cited by the submitters: PubMed 21940737 (cited by Labcorp Genetics (formerly Invitae), Labcorp).

NM_022124.6(CDH23):c.8113A>G (p.Met2705Val)

Gene: CDH23 (cadherin related 23; plus strand). Cytogenetic location: 10q22.1.
Variant type: single nucleotide variant.
Coding change: c.8113A>G on transcript NM_022124.6 (MANE Select); coding-DNA position 8113, A replaced by G.
Protein change: p.Met2705Val; replaces methionine 2705 with valine.
Molecular consequence: missense variant.
Genome position (GRCh38, 1-based): chr10:71,806,216, A>G. VCF-style: chr10-71806216-A-G. GRCh37 (hg19) VCF-style: chr10-73565973-A-G.
Other names: c.1393A>G, p.Met465Val (NM_001171933.1, NM_001171934.1); short protein forms M2705V, M465V.
Identifiers: ClinVar variation 1025646 (VCV001025646.8), dbSNP rs747249307, ClinGen allele CA5546551.